The following is an entry in ClinVar:

NM_032119.4(ADGRV1):c.2908G>A (p.Glu970Lys)

Gene: ADGRV1 (adhesion G protein-coupled receptor V1; plus strand). Cytogenetic location: 5q14.3.
Variant type: single nucleotide variant.
Coding change: c.2908G>A on transcript NM_032119.4 (MANE Select); coding-DNA position 2908, G replaced by A.
Protein change: p.Glu970Lys; replaces glutamic acid 970 with lysine.
Molecular consequence: missense variant. On other transcripts: non-coding transcript variant (1).
Genome position (GRCh38, 1-based): chr5:90,645,977, G>A. VCF-style: chr5-90645977-G-A. GRCh37 (hg19) VCF-style: chr5-89941794-G-A.
Other names: short protein forms E970K.
Identifiers: ClinVar variation 1490804 (VCV001490804.6), dbSNP rs919553739, ClinGen allele CA121835569.
Genomic context (GRCh38, chr5:90,645,977, plus strand): 5'-TAATTTATATGTATAAGTCACCTGACTTAAAACGTGTAACATTTTCCAAAGATTCCAGAA[G>A]AAATGGAAGAATTTACCGTTATCCTACTGAATGGCACTGGAGGAGCTAAAGTGGGAAATA-3'
Protein context (NP_115495.3, residues 960-980): IYSLPDEIPE[Glu970Lys]MEEFTVILLN

ClinVar aggregate classification (germline): Uncertain significance (1 of 4 stars; one submission).

Allele frequency attached by ClinVar (database versions not stated): gnomAD 0.00001; TOPMed 0.00001.
gnomAD v4.1: 3 of 1,588,830 alleles (0.00019%); highest among the groups gnomAD compares: African/African-American, 0.0027%; no homozygotes.

Submission:

Labcorp Genetics (formerly Invitae), Labcorp
Classification: Uncertain significance. Last evaluated: 2022-07-19. Review status: criteria provided, single submitter. Criteria: Invitae Variant Classification Sherloc (09022015). Collection method: clinical testing. Allele origin: germline.
Comment: In summary, the available evidence is currently insufficient to determine the role of this variant in disease. Therefore, it has been classified as a Variant of Uncertain Significance. Algorithms developed to predict the effect of missense changes on protein structure and function are either unavailable or do not agree on the potential impact of this missense change (SIFT: "Tolerated"; PolyPhen-2: "Possibly Damaging"; Align-GVGD: "Class C0"). ClinVar contains an entry for this variant (Variation ID: 1490804). This variant has not been reported in the literature in individuals affected with ADGRV1-related conditions. This variant is not present in population databases (gnomAD no frequency). This sequence change replaces glutamic acid, which is acidic and polar, with lysine, which is basic and polar, at codon 970 of the ADGRV1 protein (p.Glu970Lys).